The following is an entry in ClinVar:

ClinVar aggregate classification (germline): Uncertain significance (1 of 4 stars; one submission).

Submission:

CeGaT Center for Human Genetics Tuebingen
Classification: Uncertain significance. Last evaluated: 2025-01-01. Review status: criteria provided, single submitter. Criteria: CeGaT Center For Human Genetics Tuebingen Variant Classification Criteria Version 2. Collection method: clinical testing. Allele origin: germline. Affected: yes. Observed: 1 variant allele.
Comment: STAG1: PM2, PP2

NM_005862.3(STAG1):c.3719T>A (p.Phe1240Tyr)

Gene: STAG1 (STAG1 cohesin complex component; minus strand). Cytogenetic location: 3q22.3.
Variant type: single nucleotide variant.
Coding change: c.3719T>A on transcript NM_005862.3 (MANE Select); coding-DNA position 3719, T replaced by A.
Protein change: p.Phe1240Tyr; replaces phenylalanine 1240 with tyrosine.
Molecular consequence: missense variant.
Genome position (GRCh38, 1-based): chr3:136,338,404, A>T on the plus strand (T>A on the coding strand, the complement: STAG1 is on the minus strand). VCF-style: chr3-136338404-A-T. GRCh37 (hg19) VCF-style: chr3-136057246-A-T.
Other names: short protein forms F1240Y.
Identifiers: ClinVar variation 3772230 (VCV003772230.13).
Genomic context (GRCh38, chr3:136,338,404, plus strand): 5'-AAAAGCAGTAATAATTTGACATTTACTGAATCATCTTCTATGATAGCTGCAGAGTCAAAG[A>T]AGTCTGGCCTTAGCTCAGCTCTCTCTCGCCGATTTCTTGATGGAGGCTGGAAAGAGAAAT-3'
Protein context (NP_005853.2, residues 1230-1250): RRERAELRPD[Phe1240Tyr]FDSAAIIEDD